The following is an entry in ClinVar:

NM_001012720.2(RGR):c.358C>T (p.Arg120Cys)

Gene: RGR (retinal G protein coupled receptor; plus strand). Cytogenetic location: 10q23.1.
Variant type: single nucleotide variant.
Coding change: c.358C>T on transcript NM_001012720.2 (MANE Select); coding-DNA position 358, C replaced by T.
Protein change: p.Arg120Cys; replaces arginine 120 with cysteine.
Molecular consequence: missense variant.
Genome position (GRCh38, 1-based): chr10:84,249,043, C>T. VCF-style: chr10-84249043-C-T. GRCh37 (hg19) VCF-style: chr10-86008799-C-T.
Other names: c.358C>T, p.Arg120Cys (NM_001012722.2); c.370C>T, p.Arg124Cys (NM_002921.4); short protein forms R124C, R120C.
Identifiers: ClinVar variation 1969580 (VCV001969580.5), dbSNP rs775412390, ClinGen allele CA5581399.

ClinVar aggregate classification (germline): Uncertain significance (1 of 4 stars; one submission).

Allele frequency attached by ClinVar (database versions not stated): gnomAD 0.00001; gnomAD exomes 0.00001; ExAC 0.00002; TOPMed 0.00002.
gnomAD v4.1: 12 of 1,613,756 alleles (0.00074%); highest among the groups gnomAD compares: Non-Finnish European, 0.001%; no homozygotes.

Submission:

Labcorp Genetics (formerly Invitae), Labcorp
Classification: Uncertain significance. Last evaluated: 2024-12-02. Review status: criteria provided, single submitter. Criteria: Invitae Variant Classification Sherloc (09022015). Collection method: clinical testing. Allele origin: germline.
Comment: This sequence change replaces arginine, which is basic and polar, with cysteine, which is neutral and slightly polar, at codon 120 of the RGR protein (p.Arg120Cys). This variant is present in population databases (rs775412390, gnomAD 0.002%). This variant has not been reported in the literature in individuals affected with RGR-related conditions. ClinVar contains an entry for this variant (Variation ID: 1969580). Experimental studies and prediction algorithms are not available or were not evaluated, and the functional significance of this variant is currently unknown. In summary, the available evidence is currently insufficient to determine the role of this variant in disease. Therefore, it has been classified as a Variant of Uncertain Significance.